The following is an entry in ClinVar:

NM_033068.3(ACP4):c.429G>A (p.Thr143=)

Gene: ACP4 (acid phosphatase 4; plus strand). Cytogenetic location: 19q13.33.
Variant type: single nucleotide variant.
Coding change: c.429G>A on transcript NM_033068.3 (MANE Select); coding-DNA position 429, G replaced by A.
Protein change: p.Thr143=; no amino-acid change (threonine 143 retained).
Molecular consequence: synonymous variant.
Genome position (GRCh38, 1-based): chr19:50,791,781, G>A. VCF-style: chr19-50791781-G-A. GRCh37 (hg19) VCF-style: chr19-51295038-G-A.
Identifiers: ClinVar variation 3358401 (VCV003358401.1).
Genomic context (GRCh38, chr19:50,791,781, plus strand): 5'-GTTTCCCGAGGCTGCTCCAGGGAGCCCCGAGGCCCGCTGGAGGCCGATCCCGGTGCACAC[G>A]GTGCCCGTGGCTGAGGATAAGGTCAGGGGGCTGGACCCACGTGTGGCGAGGGAGGGAGCG-3'
Protein context (NP_149059.1, residues 133-153): EARWRPIPVH[Thr143=]VPVAEDKLLR

ClinVar aggregate classification (germline): Likely benign (0 of 4 stars; one submission).

Conditions:
ACP4-related disorder. Also called: ACP4-related condition.

gnomAD v4.1: 22 of 1,609,822 alleles (0.0014%); highest among the groups gnomAD compares: African/African-American, 0.0093%; no homozygotes.

Submission:

PreventionGenetics, part of Exact Sciences
Classification: Likely benign for ACP4-related condition. Last evaluated: 2024-06-12. Review status: no assertion criteria provided. Collection method: clinical testing. Allele origin: germline.
Comment: This variant is classified as likely benign based on ACMG/AMP sequence variant interpretation guidelines (Richards et al. 2015 PMID: 25741868, with internal and published modifications).